The following is an entry in ClinVar:

NM_181078.3(IL21R):c.542G>C (p.Arg181Thr)

Gene: IL21R (interleukin 21 receptor; plus strand). Cytogenetic location: 16p12.1.
Variant type: single nucleotide variant.
Coding change: c.542G>C on transcript NM_181078.3 (MANE Select); coding-DNA position 542, G replaced by C.
Protein change: p.Arg181Thr; replaces arginine 181 with threonine.
Molecular consequence: missense variant.
Genome position (GRCh38, 1-based): chr16:27,444,576, G>C. VCF-style: chr16-27444576-G-C. GRCh37 (hg19) VCF-style: chr16-27455897-G-C.
Other names: c.608G>C (NM_181079.4); c.542G>C, p.Arg181Thr (NM_021798.4); c.608G>C, p.Arg203Thr (NM_181079.5); short protein forms R203T, R181T.
Identifiers: ClinVar variation 1373956 (VCV001373956.8), dbSNP rs758462314, ClinGen allele CA7975007.

ClinVar aggregate classification (germline): Uncertain significance. Review status: criteria provided, multiple submitters, no conflicts (2 of 4 stars). 2 submissions from 2 submitters: Uncertain significance (2). Last evaluated 2025-08-21.

Conditions:
Inborn genetic diseases. Identifiers: MedGen C0950123, MeSH D030342.
Cryptosporidiosis-chronic cholangitis-liver disease syndrome. Also called: IL21R immunodeficiency; Immunodeficiency type 56. Identifiers: Orphanet 357329, MedGen C3554687, MONDO:0014082, OMIM 615207.

Allele frequency attached by ClinVar (database versions not stated): gnomAD exomes 0.00001 and 0.00003; TOPMed 0.00001; ExAC 0.00004.
gnomAD v4.1: 7 of 1,561,768 alleles (0.00045%); highest among the groups gnomAD compares: Admixed American, 0.013%; no homozygotes.

Submissions (2):

Ambry Genetics
Classification: Uncertain significance for Inborn genetic diseases. Last evaluated: 2025-08-21. Review status: criteria provided, single submitter. Criteria: Ambry Variant Classification Scheme 2023. Collection method: clinical testing. Allele origin: germline.

Labcorp Genetics (formerly Invitae), Labcorp
Classification: Uncertain significance for Cryptosporidiosis-chronic cholangitis-liver disease syndrome. Last evaluated: 2021-08-22. Review status: criteria provided, single submitter. Criteria: Invitae Variant Classification Sherloc (09022015). Collection method: clinical testing. Allele origin: germline.
Comment: In summary, the available evidence is currently insufficient to determine the role of this variant in disease. Therefore, it has been classified as a Variant of Uncertain Significance. Algorithms developed to predict the effect of missense changes on protein structure and function are either unavailable or do not agree on the potential impact of this missense change (SIFT: "Deleterious"; PolyPhen-2: "Benign"; Align-GVGD: "Class C25"). This variant has not been reported in the literature in individuals affected with IL21R-related conditions. This variant is present in population databases (rs758462314, ExAC 0.03%). This sequence change replaces arginine with threonine at codon 181 of the IL21R protein (p.Arg181Thr). The arginine residue is highly conserved and there is a moderate physicochemical difference between arginine and threonine.